The following is an entry in ClinVar:

NM_002529.4(NTRK1):c.2011A>C (p.Met671Leu)

Gene: NTRK1 (neurotrophic receptor tyrosine kinase 1; plus strand). Cytogenetic location: 1q23.1.
Variant type: single nucleotide variant.
Coding change: c.2011A>C on transcript NM_002529.4 (MANE Select); coding-DNA position 2011, A replaced by C.
Protein change: p.Met671Leu; replaces methionine 671 with leucine.
Molecular consequence: missense variant.
Genome position (GRCh38, 1-based): chr1:156,879,327, A>C. VCF-style: chr1-156879327-A-C. GRCh37 (hg19) VCF-style: chr1-156849119-A-C.
Other names: c.2011A>C, p.Met671Leu (NM_001007204.1); c.1903A>C, p.Met635Leu (NM_001007792.1); c.1993A>C, p.Met665Leu (NM_001012331.2); short protein forms M665L, M671L, M635L.
Identifiers: ClinVar variation 1784005 (VCV001784005.6), dbSNP rs376816422, ClinGen allele CA1169528.

ClinVar aggregate classification (germline): Uncertain significance. Review status: criteria provided, multiple submitters, no conflicts (2 of 4 stars). 3 submissions from 3 submitters: Uncertain significance (3). Last evaluated 2025-12-15.

Conditions:
Inborn genetic diseases. Identifiers: MedGen C0950123, MeSH D030342.
Hereditary insensitivity to pain with anhidrosis (CIPA). Also called: FAMILIAL DYSAUTONOMIA, TYPE II; NEUROPATHY, CONGENITAL SENSORY, WITH ANHIDROSIS; HSAN Type IV; INSENSITIVITY TO PAIN, CONGENITAL, WITH ANHIDROSIS; hereditary sensory and autonomic neuropathy type 4; NTRK1 Congenital Insensitivity to Pain with Anhidrosis. Identifiers: Orphanet 642, MedGen C0020074, MONDO:0009746, OMIM 256800.

Allele frequency attached by ClinVar (database versions not stated): ExAC 0.00002; TOPMed 0.00002; gnomAD 0.00003; ESP Exome Variant Server 0.00008.
gnomAD v4.1: 19 of 1,610,838 alleles (0.0012%); highest among the groups gnomAD compares: Admixed American, 0.0017%; no homozygotes.

Submissions (3):

Labcorp Genetics (formerly Invitae), Labcorp
Classification: Uncertain significance for Hereditary insensitivity to pain with anhidrosis. Last evaluated: 2025-12-15. Review status: criteria provided, single submitter. Criteria: Invitae Variant Classification Sherloc (09022015). Collection method: clinical testing. Allele origin: germline.
Comment: This sequence change replaces methionine, which is neutral and non-polar, with leucine, which is neutral and non-polar, at codon 665 of the NTRK1 protein (p.Met665Leu). This variant is present in population databases (rs376816422, gnomAD 0.002%). This variant has not been reported in the literature in individuals affected with NTRK1-related conditions. ClinVar contains an entry for this variant (Variation ID: 1784005). Invitae Evidence Modeling of protein sequence and biophysical properties (such as structural, functional, and spatial information, amino acid conservation, physicochemical variation, residue mobility, and thermodynamic stability) indicates that this missense variant is not expected to disrupt NTRK1 protein function with a negative predictive value of 95%. In summary, the available evidence is currently insufficient to determine the role of this variant in disease. Therefore, it has been classified as a Variant of Uncertain Significance.

Genome-Nilou Lab
Classification: Uncertain significance for Hereditary insensitivity to pain with anhidrosis. Last evaluated: 2023-04-11. Review status: criteria provided, single submitter. Criteria: ACMG Guidelines, 2015. Collection method: clinical testing. Allele origin: germline. Affected: no.

Ambry Genetics
Classification: Uncertain significance for Inborn genetic diseases. Last evaluated: 2020-02-06. Review status: criteria provided, single submitter. Criteria: Ambry Variant Classification Scheme 2023. Collection method: clinical testing. Allele origin: germline.
Comment: The p.M665L variant (also known as c.1993A>C), located in coding exon 14 of the NTRK1 gene, results from an A to C substitution at nucleotide position 1993. The methionine at codon 665 is replaced by leucine, an amino acid with highly similar properties. This amino acid position is highly conserved in available vertebrate species. In addition, this alteration is predicted to be deleterious by in silico analysis. Since supporting evidence is limited at this time, the clinical significance of this alteration remains unclear.